The following is an entry in ClinVar:

NM_001371986.1(UNC80):c.1817del (p.Pro606fs)

Gene: UNC80 (unc-80 subunit of NALCN channel complex; plus strand). Cytogenetic location: 2q34.
Variant type: Deletion.
Coding change: c.1817del on transcript NM_001371986.1 (MANE Select); coding-DNA position 1817, one base deleted (C; older notation c.1817delC).
Protein change: p.Pro606fs; shifts the reading frame from proline 606.
Molecular consequence: frameshift variant.
Genome position (GRCh38, 1-based): chr2:209,819,116, C deleted; the last of 3 consecutive C bases (chr2:209,819,114-209,819,116); deleting any one gives the same sequence. VCF-style (leftmost placement, unchanged base first): chr2-209819113-TC-T. GRCh37 (hg19) VCF-style: chr2-210683837-TC-T.
Other names: c.1817del, p.Pro606fs (NM_032504.2, NM_182587.4); short protein forms P606fs.
Identifiers: ClinVar variation 2124055 (VCV002124055.4), dbSNP rs2470967977, ClinGen allele CA2580065493.

ClinVar aggregate classification (germline): Pathogenic (1 of 4 stars; one submission).

Submission:

Labcorp Genetics (formerly Invitae), Labcorp
Classification: Pathogenic. Last evaluated: 2022-04-10. Review status: criteria provided, single submitter. Criteria: Invitae Variant Classification Sherloc (09022015). Collection method: clinical testing. Allele origin: germline.
Comment: For these reasons, this variant has been classified as Pathogenic. This variant has not been reported in the literature in individuals affected with UNC80-related conditions. This variant is not present in population databases (gnomAD no frequency). This sequence change creates a premature translational stop signal (p.Pro606Argfs*22) in the UNC80 gene. It is expected to result in an absent or disrupted protein product. Loss-of-function variants in UNC80 are known to be pathogenic (PMID: 26545877, 26708751, 26708753).

Literature cited by the submitters: PubMed 26545877; PubMed 26708751; PubMed 26708753.